The following is an entry in ClinVar:

NM_004612.4(TGFBR1):c.1350A>G (p.Leu450=)

Gene: TGFBR1 (transforming growth factor beta receptor 1; plus strand). Cytogenetic location: 9q22.33.
Variant type: single nucleotide variant.
Coding change: c.1350A>G on transcript NM_004612.4 (MANE Select); coding-DNA position 1350, A replaced by G.
Protein change: p.Leu450=; no amino-acid change (leucine 450 retained).
Molecular consequence: synonymous variant.
Genome position (GRCh38, 1-based): chr9:99,147,748, A>G. VCF-style: chr9-99147748-A-G. GRCh37 (hg19) VCF-style: chr9-101910030-A-G.
Other names: c.1119A>G, p.Leu373= (NM_001130916.3); c.1362A>G, p.Leu454= (NM_001306210.2); c.1350A>G (NM_004612.2).
Identifiers: ClinVar variation 1171066 (VCV001171066.4), dbSNP rs897701457, ClinGen allele CA196894943.
Genomic context (GRCh38, chr9:99,147,748, plus strand): 5'-TCTTGTACCTTCTGACCCATCAGTTGAAGAAATGAGAAAAGTTGTTTGTGAACAGAAGTT[A>G]AGGCCAAATATCCCAAACAGATGGCAGAGCTGTGAAGTGAGTATTTCTTTTTGATATTAG-3'
Protein context (NP_004603.1, residues 440-460): EMRKVVCEQK[Leu450=]RPNIPNRWQS

ClinVar aggregate classification (germline): Likely benign. Review status: criteria provided, multiple submitters, no conflicts (2 of 4 stars). 3 submissions from 3 submitters: Likely benign (3). Last evaluated 2024-07-24.

Conditions:
Loeys-Dietz syndrome (LDS). Identifiers: Orphanet 60030, MedGen C2697932, MONDO:0018954.
Familial thoracic aortic aneurysm and aortic dissection (TAAD). Also called: Thoracic aortic aneurysms and dissections. Identifiers: Orphanet 91387, MedGen C4707243, MONDO:0019625.

Allele frequency attached by ClinVar (database versions not stated): gnomAD exomes below 0.00001; gnomAD 0.00001; TOPMed 0.00002.
gnomAD v4.1: 3 of 1,613,790 alleles (0.00019%); highest among the groups gnomAD compares: African/African-American, 0.0027%; no homozygotes.

Submissions (3):

Ambry Genetics
Classification: Likely benign for Familial thoracic aortic aneurysm and aortic dissection. Last evaluated: 2024-07-24. Review status: criteria provided, single submitter. Criteria: Ambry Variant Classification Scheme 2023. Collection method: clinical testing. Allele origin: germline.

All of Us Research Program, National Institutes of Health
Classification: Likely benign for Loeys-Dietz syndrome. Last evaluated: 2023-12-13. Review status: criteria provided, single submitter. Criteria: ACMG Guidelines, 2015. Collection method: clinical testing. Allele origin: germline. Inheritance: Autosomal dominant inheritance. Observed: 1 variant allele, 1 heterozygote.
Comment: This study involves interpretation of variants in research participants for the purpose of population health screening. Participant phenotype was not available at the time of variant classification. Additional details can be found in publication PMID: 35346344, PMCID: PMC8962531

Color Diagnostics, LLC DBA Color Health
Classification: Likely benign for Familial thoracic aortic aneurysm and aortic dissection. Last evaluated: 2020-12-11. Review status: criteria provided, single submitter. Criteria: ACMG Guidelines, 2015. Collection method: clinical testing. Allele origin: germline.